The following is an entry in ClinVar:

ClinVar aggregate classification (germline): Uncertain significance (1 of 4 stars; one submission).

Conditions:
Arrhythmogenic right ventricular dysplasia 13. Also called: ARRHYTHMOGENIC RIGHT VENTRICULAR CARDIOMYOPATHY 13; Arrhythmogenic right ventricular dysplasia, familial, 13. Identifiers: MedGen C3810138, MONDO:0000908, OMIM 615616.

Submission:

Labcorp Genetics (formerly Invitae), Labcorp
Classification: Uncertain significance for Arrhythmogenic right ventricular dysplasia 13. Last evaluated: 2019-07-22. Review status: criteria provided, single submitter. Criteria: Invitae Variant Classification Sherloc (09022015). Collection method: clinical testing. Allele origin: germline.
Comment: In summary, the available evidence is currently insufficient to determine the role of this variant in disease. Therefore, it has been classified as a Variant of Uncertain Significance. Algorithms developed to predict the effect of missense changes on protein structure and function (SIFT, PolyPhen-2, Align-GVGD) all suggest that this variant is likely to be tolerated, but these predictions have not been confirmed by published functional studies and their clinical significance is uncertain. This variant has not been reported in the literature in individuals with CTNNA3-related conditions. This variant is not present in population databases (ExAC no frequency). This sequence change replaces arginine with serine at codon 484 of the CTNNA3 protein (p.Arg484Ser). The arginine residue is weakly conserved and there is a moderate physicochemical difference between arginine and serine.

NM_013266.4(CTNNA3):c.1450C>A (p.Arg484Ser)

Gene: CTNNA3 (catenin alpha 3; minus strand). Cytogenetic location: 10q21.3.
Variant type: single nucleotide variant.
Coding change: c.1450C>A on transcript NM_013266.4 (MANE Select); coding-DNA position 1450, C replaced by A.
Protein change: p.Arg484Ser; replaces arginine 484 with serine.
Molecular consequence: missense variant.
Genome position (GRCh38, 1-based): chr10:66,520,698, G>T on the plus strand (C>A on the coding strand, the complement: CTNNA3 is on the minus strand). VCF-style: chr10-66520698-G-T. GRCh37 (hg19) VCF-style: chr10-68280456-G-T.
Other names: c.1450C>A, p.Arg484Ser (NM_001127384.3); short protein forms R484S.
Identifiers: ClinVar variation 956438 (VCV000956438.9), dbSNP rs200182913, ClinGen allele CA377091360.